The following is an entry in ClinVar:

ClinVar aggregate classification (germline): Benign/Likely benign. Review status: criteria provided, multiple submitters, no conflicts (2 of 4 stars). 3 submissions from 3 submitters: Benign (2); Likely benign (1). Last evaluated 2026-01-20.

Conditions:
ARHGEF18-related disorder. Also called: ARHGEF18-related condition.

Allele frequency attached by ClinVar (database versions not stated): gnomAD exomes 0.00047; ExAC 0.00112; 1000 Genomes Project 0.00280; 1000 Genomes Project 30x 0.00281; gnomAD 0.00309 and 0.00326; TOPMed 0.00331.
gnomAD v4.1: 870 of 1,437,602 alleles (0.061%); highest among the groups gnomAD compares: African/African-American, 1.1%; 5 homozygotes.

Submissions (3):

Labcorp Genetics (formerly Invitae), Labcorp
Classification: Benign. Last evaluated: 2026-01-20. Review status: criteria provided, single submitter. Criteria: Invitae Variant Classification Sherloc (09022015). Collection method: clinical testing. Allele origin: germline.

PreventionGenetics, part of Exact Sciences
Classification: Benign for ARHGEF18-related condition. Last evaluated: 2025-03-19. Review status: criteria provided, single submitter. Criteria: ACMG Guidelines, 2015. Collection method: clinical testing. Allele origin: germline.
Comment: This variant is classified as benign based on ACMG/AMP sequence variant interpretation guidelines (Richards et al. 2015 PMID: 25741868, with internal and published modifications).

Blueprint Genetics
Classification: Likely benign. Last evaluated: 2024-10-09. Review status: criteria provided, single submitter. Criteria: ACMG Guidelines, 2015. Collection method: clinical testing. Allele origin: germline.

NM_001367823.1(ARHGEF18):c.3321C>G (p.Ala1107=)

Gene: ARHGEF18 (Rho/Rac guanine nucleotide exchange factor 18; plus strand). Cytogenetic location: 19p13.2.
Variant type: single nucleotide variant.
Coding change: c.3321C>G on transcript NM_001367823.1 (MANE Select); coding-DNA position 3321, C replaced by G.
Protein change: p.Ala1107=; no amino-acid change (alanine 1107 retained).
Molecular consequence: synonymous variant.
Genome position (GRCh38, 1-based): chr19:7,467,525, C>G. VCF-style: chr19-7467525-C-G. GRCh37 (hg19) VCF-style: chr19-7532411-C-G.
Other names: c.2595C>G, p.Ala865= (NM_001130955.2); c.2283C>G, p.Ala761= (NM_001367824.1, NM_015318.4).
Identifiers: ClinVar variation 735991 (VCV000735991.13), dbSNP rs568740656, ClinGen allele CA9137131.